The following is an entry in ClinVar:

ClinVar aggregate classification (germline): Likely pathogenic (1 of 4 stars; one submission).

Conditions:
Lamellar ichthyosis. Identifiers: Orphanet 313, MedGen C5848247, MONDO:0017778.

Submission:

Women's Health and Genetics/Laboratory Corporation of America, LabCorp
Classification: Likely pathogenic for Lamellar ichthyosis. Last evaluated: 2022-05-26. Review status: criteria provided, single submitter. Criteria: LabCorp Variant Classification Summary - May 2015. Collection method: clinical testing. Allele origin: germline.
Comment: Variant summary: SLC27A4 c.-6-2A>G alters a conserved nucleotide located in a canonical splice-site and is predicted to affect mRNA splicing resulting in a significantly altered protein due to either exon skipping, shortening, or inclusion of intronic material. Several computational tools predict a significant impact on normal splicing: Four predict the variant abolishes the canonical 3' splice acceptor site. Theoretically, such an impact could result in the functional equivalent of a start loss variant due to the skipping of exon 2 bearing the ATG start codon. However, these predictions have yet to be confirmed by functional studies. The variant was absent in 249840 control chromosomes. To our knowledge, no occurrence of c.-6-2A>G in individuals affected with Lamellar Ichthyosis and no experimental evidence demonstrating its impact on protein function have been reported. No clinical diagnostic laboratories have submitted clinical-significance assessments for this variant to ClinVar after 2014. Based on the evidence outlined above, the variant was classified as likely pathogenic.

NM_005094.4(SLC27A4):c.-6-2A>G

Gene: SLC27A4 (solute carrier family 27 member 4; plus strand). Cytogenetic location: 9q34.11.
Variant type: single nucleotide variant.
Coding change: c.-6-2A>G on transcript NM_005094.4 (MANE Select); the canonical splice acceptor site of the intron before 6 bases upstream of the start codon, A replaced by G.
Molecular consequence: splice acceptor variant.
Genome position (GRCh38, 1-based): chr9:128,343,125, A>G. VCF-style: chr9-128343125-A-G. GRCh37 (hg19) VCF-style: chr9-131105404-A-G.
Identifiers: ClinVar variation 1696265 (VCV001696265.1), dbSNP rs2131249868, ClinGen allele CA375027128.